The following is an entry in ClinVar:

ClinVar aggregate classification (somatic clinical impact): Tier I - Strong (1 of 4 stars; one submission).

Conditions:
Embryonal rhabdomyosarcoma (ERMS). Also called: Botryoid rhabdomyosarcoma (type of ERMS); Spindle cell rhabdomyosarcomas (type of ERMS). Identifiers: Orphanet 99757, MedGen C0206656, MONDO:0009993, HP:0006743.

Submission:

Institute for Genomic Medicine (IGM) Clinical Laboratory, Nationwide Children's Hospital
Classification: Tier I - Strong for Embryonal rhabdomyosarcoma. Assertion type: diagnostic. Clinical significance: supports diagnosis. Last evaluated: 2024-05-17. Review status: criteria provided, single submitter. Criteria: AMP/ASCO/CAP Guidelines, 2017. Collection method: clinical testing. Allele origin: somatic. Affected: yes.
Comment: Variant has Tier I (strong) clinical significance as a diagnostic inclusion criterion in embryonal rhabdomyosarcoma, based on the following evidence: 1) Documented in one or more cancer databases (e.g., St. Jude Pecan, COSMIC, CIViC, OncoKB). 2) Appears in one or more well-established professional guidelines (e.g., World Health Organization [WHO]; National Comprehensive Cancer Network [NCCN]) as providing diagnostic, prognostic, or therapeutic information. 3) Information in the literature supports potential biologic effect of variant (PMIDs: 24735922, 31857074). 4) Diagnostic for a specific tumor type/classification based on well-powered studies with expert-level consensus (Evidence Level B; PMIDs: 34166060, 24436047, 24332040, 22142829).

Literature cited by the submitters: PubMed 24735922; PubMed 31857074; PubMed 34166060; PubMed 24436047; PubMed 24332040; PubMed 22142829.

NM_001904.4(CTNNB1):c.1004A>T (p.Lys335Ile)

Gene: CTNNB1 (catenin beta 1; plus strand). Cytogenetic location: 3p22.1.
Variant type: single nucleotide variant.
Coding change: c.1004A>T on transcript NM_001904.4 (MANE Select); coding-DNA position 1004, A replaced by T.
Protein change: p.Lys335Ile; replaces lysine 335 with isoleucine.
Molecular consequence: missense variant.
Genome position (GRCh38, 1-based): chr3:41,227,275, A>T. VCF-style: chr3-41227275-A-T. GRCh37 (hg19) VCF-style: chr3-41268766-A-T.
Other names: c.1004A>T, p.Lys335Ile (NM_001098209.2, NM_001098210.2, NM_001438871.1 and 4 more transcripts); c.983A>T, p.Lys328Ile (NM_001330729.2); short protein forms K328I, K335I.
Identifiers: ClinVar variation 4530139 (VCV004530139.1).
Genomic context (GRCh38, chr3:41,227,275, plus strand): 5'-TACTGGCTAGTGGTGGACCCCAAGCTTTAGTAAATATAATGAGGACCTATACTTACGAAA[A>T]ACTACTGTGGACCACAAGCAGAGTGCTGAAGGTGCTATCTGTCTGCTCTAGTAATAAGCC-3'
Protein context (NP_001895.1, residues 325-345): VNIMRTYTYE[Lys335Ile]LLWTTSRVLK